The following is an entry in ClinVar:

ClinVar aggregate classification (germline): Uncertain significance (1 of 4 stars; one submission).

Conditions:
COG5-congenital disorder of glycosylation. Also called: CDG IIi; CONGENITAL DISORDER OF GLYCOSYLATION, TYPE IIi; COG5-CDG. Identifiers: Orphanet 263487, MedGen C3150876, MONDO:0013325, OMIM 613612.

Submission:

Labcorp Genetics (formerly Invitae), Labcorp
Classification: Uncertain significance for COG5-congenital disorder of glycosylation. Last evaluated: 2022-02-11. Review status: criteria provided, single submitter. Criteria: Invitae Variant Classification Sherloc (09022015). Collection method: clinical testing. Allele origin: germline.
Comment: Algorithms developed to predict the effect of sequence changes on RNA splicing suggest that this variant may create or strengthen a splice site. In summary, the available evidence is currently insufficient to determine the role of this variant in disease. Therefore, it has been classified as a Variant of Uncertain Significance. Algorithms developed to predict the effect of missense changes on protein structure and function are either unavailable or do not agree on the potential impact of this missense change (SIFT: "Deleterious"; PolyPhen-2: "Possibly Damaging"; Align-GVGD: "Class C0"). This variant has not been reported in the literature in individuals affected with COG5-related conditions. This variant is not present in population databases (gnomAD no frequency). This sequence change replaces leucine, which is neutral and non-polar, with arginine, which is basic and polar, at codon 859 of the COG5 protein (p.Leu859Arg).

NM_006348.5(COG5):c.2483T>G (p.Leu828Arg)

Gene: COG5 (component of oligomeric golgi complex 5; minus strand). Cytogenetic location: 7q22.3.
Variant type: single nucleotide variant.
Coding change: c.2483T>G on transcript NM_006348.5 (MANE Select); coding-DNA position 2483, T replaced by G.
Protein change: p.Leu828Arg; replaces leucine 828 with arginine.
Molecular consequence: missense variant.
Genome position (GRCh38, 1-based): chr7:107,203,523, A>C on the plus strand (T>G on the coding strand, the complement: COG5 is on the minus strand). VCF-style: chr7-107203523-A-C. GRCh37 (hg19) VCF-style: chr7-106843968-A-C.
Other names: c.2321T>G, p.Leu774Arg (NM_001379511.1); c.2309T>G, p.Leu770Arg (NM_001379512.1); c.2276T>G, p.Leu759Arg (NM_001379513.1); c.2168T>G, p.Leu723Arg (NM_001379514.1); c.1913T>G, p.Leu638Arg (NM_001379515.1); c.1769T>G, p.Leu590Arg (NM_001379516.1); c.2420T>G, p.Leu807Arg (NM_181733.4); short protein forms L807R, L828R, L770R, L590R, L638R, L723R, L759R, L774R.
Identifiers: ClinVar variation 2096739 (VCV002096739.4), dbSNP rs2535714463, ClinGen allele CA368837869.
Genomic context (GRCh38, chr7:107,203,523, plus strand): 5'-GCCAACTATGAATGGGTTAGCACAAAGTGGAGATGAACAAAGATTTCATGTCATTACTGA[A>C]GAGCAGACATAGCCTTTTGAAGCAGCTGAACCATTATGGGATAAACTGGTGCAAATTCTT-3'
Protein context (NP_006339.4, residues 818-829): VQLLQKAMSA[Leu828Arg]Q